The following is an entry in ClinVar:

NM_004415.4(DSP):c.1420-93C>T

Gene: DSP (desmoplakin; plus strand). Cytogenetic location: 6p24.3.
Variant type: single nucleotide variant.
Coding change: c.1420-93C>T on transcript NM_004415.4 (MANE Select); 93 bases into the intron before coding-DNA position 1420, C replaced by T.
Molecular consequence: intron variant.
Genome position (GRCh38, 1-based): chr6:7,569,093, C>T. VCF-style: chr6-7569093-C-T. GRCh37 (hg19) VCF-style: chr6-7569326-C-T.
Other names: c.1420-93C>T (NM_001319034.2, NM_001008844.3).
Identifiers: ClinVar variation 671014 (VCV000671014.1), dbSNP rs11755954, ClinGen allele CA12314301.

ClinVar aggregate classification (germline): Benign (1 of 4 stars; one submission).

Allele frequency attached by ClinVar (database versions not stated): 1000 Genomes Project 30x 0.04841; 1000 Genomes Project 0.04912; TOPMed 0.10028; gnomAD 0.10869 and 0.11205.
gnomAD v4.1: 205,975 of 1,537,264 alleles (13%); highest among the groups gnomAD compares: Non-Finnish European, 15%; 15,595 homozygotes.

Submission:

GeneDx
Classification: Benign. Last evaluated: 2018-06-18. Review status: criteria provided, single submitter. Criteria: GeneDx Variant Classification (06012015). Collection method: clinical testing. Allele origin: germline. Affected: yes.
Comment: This variant is considered likely benign or benign based on one or more of the following criteria: it is a conservative change, it occurs at a poorly conserved position in the protein, it is predicted to be benign by multiple in silico algorithms, and/or has population frequency not consistent with disease.